The following is an entry in ClinVar:

NM_001377540.1(SLMAP):c.304A>G (p.Ile102Val)

Gene: SLMAP (sarcolemma associated protein; plus strand). Cytogenetic location: 3p14.3.
Variant type: single nucleotide variant.
Coding change: c.304A>G on transcript NM_001377540.1 (MANE Select); coding-DNA position 304, A replaced by G.
Protein change: p.Ile102Val; replaces isoleucine 102 with valine.
Molecular consequence: missense variant. On other transcripts: non-coding transcript variant (1).
Genome position (GRCh38, 1-based): chr3:57,831,488, A>G. VCF-style: chr3-57831488-A-G. GRCh37 (hg19) VCF-style: chr3-57817215-A-G.
Other names: c.304A>G, p.Ile102Val (NM_001304420.3, NM_001304421.2, NM_001377538.1 and 17 more transcripts); short protein forms I102V.
Identifiers: ClinVar variation 1512636 (VCV001512636.11), dbSNP rs756212703, ClinGen allele CA2466764.

ClinVar aggregate classification (germline): Uncertain significance. Review status: criteria provided, multiple submitters, no conflicts (2 of 4 stars). 3 submissions from 3 submitters: Uncertain significance (3). Last evaluated 2025-12-15.

Conditions:
Brugada syndrome. Also called: Sudden unexpected nocturnal death syndrome; Sudden unexplained nocturnal death syndrome; Sudden Unexplained Death Syndrome; Sudden Unexplained Nocturnal Death Syndrome (SUNDS). Identifiers: Orphanet 130, MedGen C1142166, MONDO:0015263.

Allele frequency attached by ClinVar (database versions not stated): TOPMed below 0.00001; gnomAD 0.00001; gnomAD exomes 0.00001 and 0.00002; ExAC 0.00002.
gnomAD v4.1: 17 of 1,594,292 alleles (0.0011%); highest among the groups gnomAD compares: Admixed American, 0.017%; no homozygotes.

Submissions (3):

Labcorp Genetics (formerly Invitae), Labcorp
Classification: Uncertain significance for Brugada syndrome. Last evaluated: 2025-12-15. Review status: criteria provided, single submitter. Criteria: Invitae Variant Classification Sherloc (09022015). Collection method: clinical testing. Allele origin: germline.
Comment: This sequence change replaces isoleucine, which is neutral and non-polar, with valine, which is neutral and non-polar, at codon 102 of the SLMAP protein (p.Ile102Val). This variant is present in population databases (rs756212703, gnomAD 0.01%). This variant has not been reported in the literature in individuals affected with SLMAP-related conditions. ClinVar contains an entry for this variant (Variation ID: 1512636). An algorithm developed to predict the effect of missense changes on protein structure and function (PolyPhen-2) suggests that this variant is likely to be disruptive. In summary, the available evidence is currently insufficient to determine the role of this variant in disease. Therefore, it has been classified as a Variant of Uncertain Significance.

Women's Health and Genetics/Laboratory Corporation of America, LabCorp
Classification: Uncertain significance. Last evaluated: 2025-03-17. Review status: criteria provided, single submitter. Criteria: LabCorp Variant Classification Summary - May 2015. Collection method: clinical testing. Allele origin: germline.

Ambry Genetics
Classification: Uncertain significance. Last evaluated: 2022-03-12. Review status: criteria provided, single submitter. Criteria: Ambry Variant Classification Scheme 2023. Collection method: clinical testing. Allele origin: germline.
Comment: The p.I102V variant (also known as c.304A>G), located in coding exon 2 of the SLMAP gene, results from an A to G substitution at nucleotide position 304. The isoleucine at codon 102 is replaced by valine, an amino acid with highly similar properties. This amino acid position is conserved. In addition, the in silico prediction for this alteration is inconclusive. Since supporting evidence is limited at this time, the clinical significance of this alteration remains unclear.